The following is an entry in ClinVar:

NM_017436.7(A4GALT):c.558C>G (p.Phe186Leu)

Gene: A4GALT (alpha 1,4-galactosyltransferase (P1PK blood group); minus strand). Cytogenetic location: 22q13.2.
Variant type: single nucleotide variant.
Coding change: c.558C>G on transcript NM_017436.7 (MANE Select); coding-DNA position 558, C replaced by G.
Protein change: p.Phe186Leu; replaces phenylalanine 186 with leucine.
Molecular consequence: missense variant.
Genome position (GRCh38, 1-based): chr22:42,693,394, G>C on the plus strand (C>G on the coding strand, the complement: A4GALT is on the minus strand). VCF-style: chr22-42693394-G-C. GRCh37 (hg19) VCF-style: chr22-43089400-G-C.
Other names: c.558C>G, p.Phe186Leu (NM_001318038.3); short protein forms F186L.
Identifiers: ClinVar variation 1998299 (VCV001998299.4), dbSNP rs139550090, ClinGen allele CA10270269.

ClinVar aggregate classification (germline): Uncertain significance (1 of 4 stars; one submission).

gnomAD v4.1: 16 of 1,613,252 alleles (0.00099%); highest among the groups gnomAD compares: Non-Finnish European, 0.0013%; no homozygotes.

Submission:

Labcorp Genetics (formerly Invitae), Labcorp
Classification: Uncertain significance. Last evaluated: 2024-01-02. Review status: criteria provided, single submitter. Criteria: Invitae Variant Classification Sherloc (09022015). Collection method: clinical testing. Allele origin: germline.
Comment: This sequence change replaces phenylalanine, which is neutral and non-polar, with leucine, which is neutral and non-polar, at codon 186 of the A4GALT protein (p.Phe186Leu). This variant is present in population databases (rs139550090, gnomAD 0.008%). This variant has not been reported in the literature in individuals affected with A4GALT-related conditions. ClinVar contains an entry for this variant (Variation ID: 1998299). An algorithm developed to predict the effect of missense changes on protein structure and function (PolyPhen-2) suggests that this variant is likely to be disruptive. In summary, the available evidence is currently insufficient to determine the role of this variant in disease. Therefore, it has been classified as a Variant of Uncertain Significance.